The following is an entry in ClinVar:

ClinVar aggregate classification (germline): Benign/Likely benign. Review status: criteria provided, multiple submitters, no conflicts (2 of 4 stars). 5 submissions from 5 submitters: Benign (2); Likely benign (3). Last evaluated 2026-01-16.

Conditions:
Hereditary cancer-predisposing syndrome. Also called: Tumor predisposition; Neoplastic Syndromes, Hereditary; Hereditary Cancer Syndrome; Hereditary neoplastic syndrome. Identifiers: Orphanet 140162, MedGen C0027672, MeSH D009386, MONDO:0015356.
Tuberous sclerosis 2 (TSC2). Identifiers: Orphanet 805, MedGen C1860707, MONDO:0013199, OMIM 613254.

Allele frequency attached by ClinVar (database versions not stated): TOPMed below 0.00001.
gnomAD v4.1: 10 of 1,598,690 alleles (0.00063%); highest among the groups gnomAD compares: Non-Finnish European, 0.00085%; no homozygotes.

Submissions (5):

Labcorp Genetics (formerly Invitae), Labcorp
Classification: Likely benign for Tuberous sclerosis 2. Last evaluated: 2026-01-16. Review status: criteria provided, single submitter. Criteria: Invitae Variant Classification Sherloc (09022015). Collection method: clinical testing. Allele origin: germline.

Myriad Genetics, Inc.
Classification: Benign for Tuberous sclerosis 2. Last evaluated: 2025-06-03. Review status: criteria provided, single submitter. Criteria: Myriad Autosomal Dominant, Autosomal Recessive and X-Linked Classification Criteria (2023). Collection method: clinical testing. Allele origin: unknown.
Comment: This variant is considered benign. This variant is a silent/synonymous amino acid change and it is not expected to impact splicing.

Sema4
Classification: Likely benign for Hereditary cancer-predisposing syndrome. Last evaluated: 2021-11-17. Review status: criteria provided, single submitter. Criteria: Sema4 Curation Guidelines. Collection method: curation. Allele origin: germline.

Genome-Nilou Lab
Classification: Benign for Tuberous sclerosis 2. Last evaluated: 2021-11-07. Review status: criteria provided, single submitter. Criteria: ACMG Guidelines, 2015. Collection method: clinical testing. Allele origin: germline. Affected: no.

Ambry Genetics
Classification: Likely benign for Hereditary cancer-predisposing syndrome. Last evaluated: 2017-02-16. Review status: criteria provided, single submitter. Criteria: Ambry Variant Classification Scheme 2023. Collection method: clinical testing. Allele origin: germline.

NM_000548.5(TSC2):c.4452C>T (p.Ala1484=)

Gene: TSC2 (TSC complex subunit 2; plus strand). Cytogenetic location: 16p13.3.
Variant type: single nucleotide variant.
Coding change: c.4452C>T on transcript NM_000548.5 (MANE Select); coding-DNA position 4452, C replaced by T.
Protein change: p.Ala1484=; no amino-acid change (alanine 1484 retained).
Molecular consequence: synonymous variant.
Genome position (GRCh38, 1-based): chr16:2,084,674, C>T. VCF-style: chr16-2084674-C-T. GRCh37 (hg19) VCF-style: chr16-2134675-C-T.
Other names: c.4251C>T, p.Ala1417= (NM_001077183.3); c.4383C>T, p.Ala1461= (NM_001114382.3); c.4143C>T, p.Ala1381= (NM_001318827.2); c.4107C>T, p.Ala1369= (NM_001318829.2); c.3720C>T, p.Ala1240= (NM_001318831.2); c.4284C>T, p.Ala1428= (NM_001318832.2); c.4254C>T, p.Ala1418= (NM_001363528.2); c.4320C>T, p.Ala1440= (NM_001370404.1); and 1 more.
Identifiers: ClinVar variation 486690 (VCV000486690.18), dbSNP rs1555514573, ClinGen allele CA493043348.
Genomic context (GRCh38, chr16:2,084,674, plus strand): 5'-CGACTCGGCCCCATCACGCAGGGGCAAGAGAGTAGAGAGGGACGCCTTAAAGAGCAGAGC[C>T]ACAGCCTCCAATGCAGAGAAAGTGCCAGGCATCAACCCCAGGTGGGCCTCTTGCTTCCGG-3'
Protein context (NP_000539.2, residues 1474-1494): RVERDALKSR[Ala1484=]TASNAEKVPG